The following is an entry in ClinVar:

NM_012418.4(FSCN2):c.398T>G (p.Val133Gly)

Gene: FSCN2 (fascin actin-bundling protein 2, retinal; plus strand). Cytogenetic location: 17q25.3.
Variant type: single nucleotide variant.
Coding change: c.398T>G on transcript NM_012418.4 (MANE Select); coding-DNA position 398, T replaced by G.
Protein change: p.Val133Gly; replaces valine 133 with glycine.
Molecular consequence: missense variant.
Genome position (GRCh38, 1-based): chr17:81,528,929, T>G. VCF-style: chr17-81528929-T-G. GRCh37 (hg19) VCF-style: chr17-79495955-T-G.
Other names: c.398T>G, p.Val133Gly (NM_001077182.3); short protein forms V133G.
Identifiers: ClinVar variation 2104532 (VCV002104532.4), dbSNP rs2544425618, ClinGen allele CA401470878.

ClinVar aggregate classification (germline): Uncertain significance (1 of 4 stars; one submission).

Submission:

Labcorp Genetics (formerly Invitae), Labcorp
Classification: Uncertain significance. Last evaluated: 2022-07-09. Review status: criteria provided, single submitter. Criteria: Invitae Variant Classification Sherloc (09022015). Collection method: clinical testing. Allele origin: germline.
Comment: Algorithms developed to predict the effect of missense changes on protein structure and function are either unavailable or do not agree on the potential impact of this missense change (SIFT: "Deleterious"; PolyPhen-2: "Probably Damaging"; Align-GVGD: "Class C0"). In summary, the available evidence is currently insufficient to determine the role of this variant in disease. Therefore, it has been classified as a Variant of Uncertain Significance. This variant has not been reported in the literature in individuals affected with FSCN2-related conditions. This sequence change replaces valine, which is neutral and non-polar, with glycine, which is neutral and non-polar, at codon 133 of the FSCN2 protein (p.Val133Gly). This variant is not present in population databases (gnomAD no frequency).